The following is an entry in ClinVar:

ClinVar aggregate classification (germline): Uncertain significance (1 of 4 stars; one submission).

gnomAD v4.1: 2 of 1,611,244 alleles (0.00012%); highest among the groups gnomAD compares: Admixed American, 0.0017%; no homozygotes.

Submission:

Labcorp Genetics (formerly Invitae), Labcorp
Classification: Uncertain significance. Last evaluated: 2022-03-15. Review status: criteria provided, single submitter. Criteria: Invitae Variant Classification Sherloc (09022015). Collection method: clinical testing. Allele origin: germline.
Comment: This sequence change replaces glycine, which is neutral and non-polar, with cysteine, which is neutral and slightly polar, at codon 331 of the COL18A1 protein (p.Gly331Cys). The frequency data for this variant in the population databases is considered unreliable, as metrics indicate poor data quality at this position in the gnomAD database. This variant has not been reported in the literature in individuals affected with COL18A1-related conditions. Experimental studies and prediction algorithms are not available or were not evaluated, and the functional significance of this variant is currently unknown. In summary, the available evidence is currently insufficient to determine the role of this variant in disease. Therefore, it has been classified as a Variant of Uncertain Significance.

NM_001379500.1(COL18A1):c.991G>T (p.Gly331Cys)

Gene: COL18A1 (collagen type XVIII alpha 1 chain; plus strand). Cytogenetic location: 21q22.3.
Variant type: single nucleotide variant.
Coding change: c.991G>T on transcript NM_001379500.1 (MANE Select); coding-DNA position 991, G replaced by T.
Protein change: p.Gly331Cys; replaces glycine 331 with cysteine.
Molecular consequence: missense variant.
Genome position (GRCh38, 1-based): chr21:45,477,473, G>T. VCF-style: chr21-45477473-G-T. GRCh37 (hg19) VCF-style: chr21-46897387-G-T.
Other names: c.1531G>T, p.Gly511Cys (NM_030582.4); c.2236G>T, p.Gly746Cys (NM_130444.3); short protein forms G511C, G331C, G746C.
Identifiers: ClinVar variation 2112528 (VCV002112528.1), dbSNP rs1297477834, ClinGen allele CA410514961.